The following is an entry in ClinVar:

ClinVar aggregate classification (germline): Uncertain significance (1 of 4 stars; one submission).

Submission:

Labcorp Genetics (formerly Invitae), Labcorp
Classification: Uncertain significance. Last evaluated: 2022-06-03. Review status: criteria provided, single submitter. Criteria: Invitae Variant Classification Sherloc (09022015). Collection method: clinical testing. Allele origin: germline.
Comment: This variant has not been reported in the literature in individuals affected with MAPKBP1-related conditions. This variant is not present in population databases (gnomAD no frequency). This sequence change replaces leucine, which is neutral and non-polar, with valine, which is neutral and non-polar, at codon 86 of the MAPKBP1 protein (p.Leu86Val). Algorithms developed to predict the effect of missense changes on protein structure and function (SIFT, PolyPhen-2, Align-GVGD) all suggest that this variant is likely to be tolerated. In summary, the available evidence is currently insufficient to determine the role of this variant in disease. Therefore, it has been classified as a Variant of Uncertain Significance.

NM_014994.3(MAPKBP1):c.256C>G (p.Leu86Val)

Gene: MAPKBP1 (mitogen-activated protein kinase binding protein 1; plus strand). Cytogenetic location: 15q15.1.
Variant type: single nucleotide variant.
Coding change: c.256C>G on transcript NM_014994.3 (MANE Select); coding-DNA position 256, C replaced by G.
Protein change: p.Leu86Val; replaces leucine 86 with valine.
Molecular consequence: missense variant. On other transcripts: non-coding transcript variant (2).
Genome position (GRCh38, 1-based): chr15:41,810,932, C>G. VCF-style: chr15-41810932-C-G. GRCh37 (hg19) VCF-style: chr15-42103130-C-G.
Other names: c.256C>G, p.Leu86Val (NM_001128608.2, NM_001265611.2); short protein forms L86V.
Identifiers: ClinVar variation 2002237 (VCV002002237.4), dbSNP rs773165079, ClinGen allele CA391850287.